The following is an entry in ClinVar:

ClinVar aggregate classification (germline): Uncertain significance (1 of 4 stars; one submission).

Conditions:
Chédiak-Higashi syndrome (CHS). Also called: Chediak-Higashi Syndrome. Identifiers: Orphanet 167, MedGen C0007965, MONDO:0008963, OMIM 214500.

Allele frequency attached by ClinVar (database versions not stated): gnomAD exomes below 0.00001; gnomAD 0.00001; TOPMed 0.00001.
gnomAD v4.1: 7 of 1,613,584 alleles (0.00043%); highest among the groups gnomAD compares: Admixed American, 0.0033%; no homozygotes.

Submission:

Labcorp Genetics (formerly Invitae), Labcorp
Classification: Uncertain significance for Chédiak-Higashi syndrome. Last evaluated: 2022-06-20. Review status: criteria provided, single submitter. Criteria: Invitae Variant Classification Sherloc (09022015). Collection method: clinical testing. Allele origin: germline.
Comment: This sequence change replaces serine, which is neutral and polar, with leucine, which is neutral and non-polar, at codon 1173 of the LYST protein (p.Ser1173Leu). This variant is present in population databases (no rsID available, gnomAD 0.003%). This variant has not been reported in the literature in individuals affected with LYST-related conditions. Algorithms developed to predict the effect of missense changes on protein structure and function output the following: SIFT: "Tolerated"; PolyPhen-2: "Benign"; Align-GVGD: "Class C0". The leucine amino acid residue is found in multiple mammalian species, which suggests that this missense change does not adversely affect protein function. In summary, the available evidence is currently insufficient to determine the role of this variant in disease. Therefore, it has been classified as a Variant of Uncertain Significance.

NM_000081.4(LYST):c.3518C>T (p.Ser1173Leu)

Gene: LYST (lysosomal trafficking regulator; minus strand). Cytogenetic location: 1q42.3.
Variant type: single nucleotide variant.
Coding change: c.3518C>T on transcript NM_000081.4 (MANE Select); coding-DNA position 3518, C replaced by T.
Protein change: p.Ser1173Leu; replaces serine 1173 with leucine.
Molecular consequence: missense variant.
Genome position (GRCh38, 1-based): chr1:235,804,541, G>A on the plus strand (C>T on the coding strand, the complement: LYST is on the minus strand). VCF-style: chr1-235804541-G-A. GRCh37 (hg19) VCF-style: chr1-235967841-G-A.
Other names: c.3518C>T, p.Ser1173Leu (NM_001301365.1); short protein forms S1173L.
Identifiers: ClinVar variation 1424291 (VCV001424291.3), dbSNP rs1054987818, ClinGen allele CA39615473.